The following is an entry in ClinVar:

NM_001122769.3(LCA5):c.2010_2013del (p.His670_Arg671insTer)

Gene: LCA5 (lebercilin LCA5; minus strand). Cytogenetic location: 6q14.1.
Variant type: Deletion.
Coding change: c.2010_2013del on transcript NM_001122769.3 (MANE Select); coding-DNA positions 2010 to 2013, 4 bases deleted (CCGA; older notation c.2010_2013delCCGA).
Protein change: p.His670_Arg671insTer.
Molecular consequence: frameshift variant.
Genome position (GRCh38, 1-based): chr6:79,487,085-79,487,088, TCGG deleted on the plus strand (CCGA on the coding strand, the reverse complement: LCA5 is on the minus strand); deleting any 4 consecutive bases within chr6:79,487,085-79,487,089 gives the same sequence; the c. name uses the placement nearest the transcript's 3' end. VCF-style (leftmost placement, unchanged base first): chr6-79487084-ATCGG-A. GRCh37 (hg19) VCF-style: chr6-80196801-ATCGG-A.
Other names: c.2010_2013del, p.His670_Arg671insTer (NM_181714.4).
Identifiers: ClinVar variation 1399443 (VCV001399443.4), dbSNP rs1769681026, ClinGen allele CA1640625748.

ClinVar aggregate classification (germline): Uncertain significance (1 of 4 stars; one submission).

Submission:

Labcorp Genetics (formerly Invitae), Labcorp
Classification: Uncertain significance. Last evaluated: 2022-10-05. Review status: criteria provided, single submitter. Criteria: Invitae Variant Classification Sherloc (09022015). Collection method: clinical testing. Allele origin: germline.
Comment: In summary, the available evidence is currently insufficient to determine the role of this variant in disease. Therefore, it has been classified as a Variant of Uncertain Significance. Experimental studies and prediction algorithms are not available or were not evaluated, and the functional significance of this variant is currently unknown. ClinVar contains an entry for this variant (Variation ID: 1399443). This premature translational stop signal has been observed in individual(s) with clinical features of Leber congenital amaurosis (PMID: 23946133). This variant is not present in population databases (gnomAD no frequency). This sequence change creates a premature translational stop signal (p.Arg671*) in the LCA5 gene. While this is not anticipated to result in nonsense mediated decay, it is expected to disrupt the last 27 amino acid(s) of the LCA5 protein.

Literature cited by the submitters: PubMed 23946133.